The following is an entry in ClinVar:

NM_206933.4(USH2A):c.9240C>A (p.Phe3080Leu)

Gene: USH2A (usherin; minus strand). Cytogenetic location: 1q41.
Variant type: single nucleotide variant.
Coding change: c.9240C>A on transcript NM_206933.4 (MANE Select); coding-DNA position 9240, C replaced by A.
Protein change: p.Phe3080Leu; replaces phenylalanine 3080 with leucine.
Molecular consequence: missense variant.
Genome position (GRCh38, 1-based): chr1:215,844,312, G>T on the plus strand (C>A on the coding strand, the complement: USH2A is on the minus strand). VCF-style: chr1-215844312-G-T. GRCh37 (hg19) VCF-style: chr1-216017654-G-T.
Other names: short protein forms F3080L.
Identifiers: ClinVar variation 48617 (VCV000048617.11), dbSNP rs397518044, ClinGen allele CA143650.

ClinVar aggregate classification (germline): Uncertain significance. Review status: criteria provided, multiple submitters, no conflicts (2 of 4 stars). 8 submissions from 7 submitters: Uncertain significance (6). 2 of the submissions do not count toward it. Last evaluated 2025-07-01.

Conditions:
Inborn genetic diseases. Identifiers: MedGen C0950123, MeSH D030342.
Usher syndrome type 2A. Also called: USHER SYNDROME, TYPE IIA; RETINAL DISEASE IN USHER SYNDROME TYPE IIA, MODIFIER OF. Identifiers: Orphanet 231178, Orphanet 886, MedGen C1848634, MONDO:0010169, OMIM 276901.
Retinitis pigmentosa 39 (RP39). Identifiers: Orphanet 791, MedGen C3151138, MONDO:0013436, OMIM 613809.

Allele frequency attached by ClinVar (database versions not stated): gnomAD 0.00003 and 0.00004; TOPMed 0.00003; ExAC 0.00001; gnomAD exomes 0.00001 and 0.00004.
gnomAD v4.1: 57 of 1,613,528 alleles (0.0035%); highest among the groups gnomAD compares: Non-Finnish European, 0.0047%; no homozygotes.

Submissions (8):

Ambry Genetics
Classification: Uncertain significance for Inborn genetic diseases. Last evaluated: 2025-07-01. Review status: criteria provided, single submitter. Criteria: Ambry Variant Classification Scheme 2023. Collection method: clinical testing. Allele origin: germline.

Genome-Nilou Lab
Classification: Uncertain significance for Retinitis pigmentosa 39. Last evaluated: 2023-11-04. Review status: criteria provided, single submitter. Criteria: ACMG Guidelines, 2015. Collection method: clinical testing. Allele origin: germline. Affected: no.

Genome-Nilou Lab
Classification: Uncertain significance for Usher syndrome type 2A. Last evaluated: 2023-11-04. Review status: criteria provided, single submitter. Criteria: ACMG Guidelines, 2015. Collection method: clinical testing. Allele origin: germline. Affected: no.

Labcorp Genetics (formerly Invitae), Labcorp
Classification: Uncertain significance. Last evaluated: 2022-03-04. Review status: criteria provided, single submitter. Criteria: Invitae Variant Classification Sherloc (09022015). Collection method: clinical testing. Allele origin: germline.
Comment: This sequence change replaces phenylalanine, which is neutral and non-polar, with leucine, which is neutral and non-polar, at codon 3080 of the USH2A protein (p.Phe3080Leu). This variant is present in population databases (rs397518044, gnomAD 0.003%). This variant has not been reported in the literature in individuals affected with USH2A-related conditions. ClinVar contains an entry for this variant (Variation ID: 48617). Algorithms developed to predict the effect of missense changes on protein structure and function output the following: SIFT: "Deleterious"; PolyPhen-2: "Benign"; Align-GVGD: "Class C0". The leucine amino acid residue is found in multiple mammalian species, which suggests that this missense change does not adversely affect protein function. In summary, the available evidence is currently insufficient to determine the role of this variant in disease. Therefore, it has been classified as a Variant of Uncertain Significance.

Blueprint Genetics
Classification: Uncertain significance. Last evaluated: 2021-01-15. Review status: criteria provided, single submitter. Criteria: ACMG Guidelines, 2015. Collection method: clinical testing. Allele origin: germline.

Laboratory for Molecular Medicine, Mass General Brigham Personalized Medicine
Classification: Uncertain significance. Last evaluated: 2010-04-28. Review status: criteria provided, single submitter. Criteria: LMM Criteria. Collection method: clinical testing. Allele origin: germline. Observed: 1 variant allele.
Comment: Variant classified as Uncertain Significance - Favor Pathogenic.

Natera, Inc.
Classification: Uncertain significance for Usher syndrome type 2A. Last evaluated: 2020-01-25. Review status: no assertion criteria provided. Collection method: clinical testing. Allele origin: germline. Not counted in ClinVar's aggregate classification.

Counsyl
Classification: Uncertain significance for Usher syndrome type 2A; Retinitis pigmentosa 39. Last evaluated: 2017-06-20. Review status: no assertion criteria provided. Collection method: clinical testing. Allele origin: unknown. Not counted in ClinVar's aggregate classification.